The following is an entry in ClinVar:

NM_001134225.2(INPP4A):c.2454C>T (p.Asn818=)

Gene: INPP4A (inositol polyphosphate-4-phosphatase type I A; plus strand). Cytogenetic location: 2q11.2.
Variant type: single nucleotide variant.
Coding change: c.2454C>T on transcript NM_001134225.2 (MANE Select); coding-DNA position 2454, C replaced by T.
Protein change: p.Asn818=; no amino-acid change (asparagine 818 retained).
Molecular consequence: synonymous variant.
Genome position (GRCh38, 1-based): chr2:98,568,604, C>T. VCF-style: chr2-98568604-C-T. GRCh37 (hg19) VCF-style: chr2-99185067-C-T.
Other names: c.2469C>T, p.Asn823= (NM_001134224.2); c.2355C>T, p.Asn785= (NM_001351424.1, NM_001351425.2, NM_001351426.2); c.2352C>T, p.Asn784= (NM_001351427.2, NM_001566.2, NM_004027.3); c.2337C>T, p.Asn779= (NM_001351428.2); c.2304C>T, p.Asn768= (NM_001351429.2).
Identifiers: ClinVar variation 4873077 (VCV004873077.2).

ClinVar aggregate classification (germline): Likely benign (1 of 4 stars; one submission).

gnomAD v4.1: 73 of 1,603,258 alleles (0.0046%); highest among the groups gnomAD compares: African/African-American, 0.08%; no homozygotes.

Submission:

CeGaT Center for Human Genetics Tuebingen
Classification: Likely benign. Last evaluated: 2026-04-01. Review status: criteria provided, single submitter. Criteria: CeGaT Center For Human Genetics Tuebingen Variant Classification Criteria Version 2. Collection method: clinical testing. Allele origin: germline. Affected: yes. Observed: 1 variant allele.
Comment: INPP4A: BP4, BP7